The following is an entry in ClinVar:

ClinVar aggregate classification (germline): Likely pathogenic (1 of 4 stars; one submission).

Conditions:
Hereditary von Willebrand disease. Identifiers: Orphanet 903, MedGen C5703318, MONDO:0019565. Inheritance: Autosomal recessive or Autosomal dominant.

Submission:

North West Genomic Laboratory Hub, Manchester University NHS Foundation Trust
Classification: Likely pathogenic for von Willebrand disease. Last evaluated: 2024-08-16. Review status: criteria provided, single submitter. Criteria: ACGS Best Practice Guidelines for Variant Classification in Rare Disease 2020. Collection method: clinical testing. Allele origin: germline. Affected: yes.
Comment: PM2_Mod PP1_Supp PP4_Mod PP3_Supp

NM_000552.5(VWF):c.7809C>G (p.Cys2603Trp)

Gene: VWF (von Willebrand factor; minus strand). Cytogenetic location: 12p13.31.
Variant type: single nucleotide variant.
Coding change: c.7809C>G on transcript NM_000552.5 (MANE Select); coding-DNA position 7809, C replaced by G.
Protein change: p.Cys2603Trp; replaces cysteine 2603 with tryptophan.
Molecular consequence: missense variant.
Genome position (GRCh38, 1-based): chr12:5,967,564, G>C on the plus strand (C>G on the coding strand, the complement: VWF is on the minus strand). VCF-style: chr12-5967564-G-C. GRCh37 (hg19) VCF-style: chr12-6076730-G-C.
Other names: short protein forms C2603W.
Identifiers: ClinVar variation 4853806 (VCV004853806.1).